The following is an entry in ClinVar:

ClinVar aggregate classification (germline): Uncertain significance. Review status: criteria provided, multiple submitters, no conflicts (2 of 4 stars). 2 submissions from 2 submitters: Uncertain significance (2). Last evaluated 2024-04-09.

Conditions:
Predisposition to invasive fungal disease due to CARD9 deficiency (IMD103). Also called: IMMUNODEFICIENCY 103, SUSCEPTIBILITY TO FUNGAL INFECTIONS; CARD9 IMMUNODEFICIENCY; Candidiasis, familial, 2, autosomal recessive. Identifiers: Orphanet 457088, MedGen C1859353, MONDO:0008905, OMIM 212050.
Inborn genetic diseases. Identifiers: MedGen C0950123, MeSH D030342.

gnomAD v4.1: 1 of 1,612,614 alleles (0.000062%); no homozygotes.

Submissions (2):

Ambry Genetics
Classification: Uncertain significance for Inborn genetic diseases. Last evaluated: 2024-04-09. Review status: criteria provided, single submitter. Criteria: Ambry Variant Classification Scheme 2023. Collection method: clinical testing. Allele origin: germline.

Labcorp Genetics (formerly Invitae), Labcorp
Classification: Uncertain significance for Predisposition to invasive fungal disease due to CARD9 deficiency. Last evaluated: 2020-09-15. Review status: criteria provided, single submitter. Criteria: Invitae Variant Classification Sherloc (09022015). Collection method: clinical testing. Allele origin: germline.
Comment: This variant has not been reported in the literature in individuals with CARD9-related conditions. This variant is not present in population databases (ExAC no frequency). This sequence change replaces serine with arginine at codon 138 of the CARD9 protein (p.Ser138Arg). The serine residue is moderately conserved and there is a moderate physicochemical difference between serine and arginine. Algorithms developed to predict the effect of missense changes on protein structure and function (SIFT, PolyPhen-2, Align-GVGD) all suggest that this variant is likely to be tolerated, but these predictions have not been confirmed by published functional studies and their clinical significance is uncertain. In summary, the available evidence is currently insufficient to determine the role of this variant in disease. Therefore, it has been classified as a Variant of Uncertain Significance.

NM_052813.5(CARD9):c.412A>C (p.Ser138Arg)

Gene: CARD9 (caspase recruitment domain family member 9; minus strand). Cytogenetic location: 9q34.3.
Variant type: single nucleotide variant.
Coding change: c.412A>C on transcript NM_052813.5 (MANE Select); coding-DNA position 412, A replaced by C.
Protein change: p.Ser138Arg; replaces serine 138 with arginine.
Molecular consequence: missense variant.
Genome position (GRCh38, 1-based): chr9:136,371,056, T>G on the plus strand (A>C on the coding strand, the complement: CARD9 is on the minus strand). VCF-style: chr9-136371056-T-G. GRCh37 (hg19) VCF-style: chr9-139265508-T-G.
Other names: c.412A>C, p.Ser138Arg (NM_052814.4); c.412A>C (NM_052813.4); short protein forms S138R.
Identifiers: ClinVar variation 1061261 (VCV001061261.10), dbSNP rs2131444271, ClinGen allele CA375545528.
Genomic context (GRCh38, chr9:136,371,056, plus strand): 5'-GGTGCTTGCGCAGCAGGCTGTCCTTCACCCGCAGCTCCTTGATGAAGTCATCTTTGGAGC[T>G]CAGCAGCGCGGTCAGGTCCTGCACCTTCTTCTGCAGCTTCATGACCTCAGTCATCAGCAG-3'
Protein context (NP_434700.2, residues 128-148): KKVQDLTALL[Ser138Arg]SKDDFIKELR